The following is an entry in ClinVar:

ClinVar aggregate classification (germline): Likely benign. Review status: criteria provided, multiple submitters, no conflicts (2 of 4 stars). 2 submissions from 2 submitters: Likely benign (2). Last evaluated 2026-03-01.

Conditions:
Polyglandular autoimmune syndrome, type 1 (APS1). Also called: AUTOIMMUNE POLYENDOCRINE SYNDROME, TYPE I, WITH OR WITHOUT REVERSIBLE METAPHYSEAL DYSPLASIA; APS I; HYPOADRENOCORTICISM WITH HYPOPARATHYROIDISM AND SUPERFICIAL MONILIASIS; PGA I; Autoimmune polyendocrine syndrome type 1; Whitaker syndrome. Identifiers: Orphanet 3453, MedGen C0085859, MONDO:0009411, OMIM 240300.

Submissions (2):

CeGaT Center for Human Genetics Tuebingen
Classification: Likely benign. Last evaluated: 2026-03-01. Review status: criteria provided, single submitter. Criteria: CeGaT Center For Human Genetics Tuebingen Variant Classification Criteria Version 2. Collection method: clinical testing. Allele origin: germline. Affected: yes. Observed: 1 variant allele.
Comment: AIRE: PM2:Supporting, BP4, BP7

Labcorp Genetics (formerly Invitae), Labcorp
Classification: Likely benign for Polyglandular autoimmune syndrome, type 1. Last evaluated: 2025-06-27. Review status: criteria provided, single submitter. Criteria: Invitae Variant Classification Sherloc (09022015). Collection method: clinical testing. Allele origin: germline.

NM_000383.4(AIRE):c.1098C>T (p.Leu366=)

Gene: AIRE (autoimmune regulator; plus strand). Cytogenetic location: 21q22.3.
Variant type: single nucleotide variant.
Coding change: c.1098C>T on transcript NM_000383.4 (MANE Select); coding-DNA position 1098, C replaced by T.
Protein change: p.Leu366=; no amino-acid change (leucine 366 retained).
Molecular consequence: synonymous variant.
Genome position (GRCh38, 1-based): chr21:44,292,995, C>T. VCF-style: chr21-44292995-C-T. GRCh37 (hg19) VCF-style: chr21-45712878-C-T.
Identifiers: ClinVar variation 4694698 (VCV004694698.5).